The following is an entry in ClinVar:

NM_000277.3(PAH):c.970-7A>G

Gene: PAH (phenylalanine hydroxylase; minus strand). Cytogenetic location: 12q23.2.
Variant type: single nucleotide variant.
Coding change: c.970-7A>G on transcript NM_000277.3 (MANE Select); 7 bases into the intron before coding-DNA position 970, A replaced by G.
Molecular consequence: intron variant.
Genome position (GRCh38, 1-based): chr12:102,844,438, T>C on the plus strand (A>G on the coding strand, the complement: PAH is on the minus strand). VCF-style: chr12-102844438-T-C. GRCh37 (hg19) VCF-style: chr12-103238216-T-C.
Other names: NM_000277.1:c.970-7A>G; c.970-7A>G (NM_001354304.2).
Identifiers: ClinVar variation 1327549 (VCV001327549.1), dbSNP rs745670264, ClinGen allele CA6748773.

ClinVar aggregate classification (germline): Uncertain significance (3 of 4 stars; one submission).

Conditions:
Phenylketonuria (PKU). Also called: Phenylketonuria (PKU); FOLLING DISEASE; OLIGOPHRENIA PHENYLPYRUVICA; Phenylketonurias. Identifiers: Orphanet 716, MedGen C0031485, MONDO:0009861, OMIM 261600. Disease mechanism: loss of function.

Allele frequency attached by ClinVar (database versions not stated): gnomAD exomes below 0.00001; ExAC 0.00001.
gnomAD v4.1: 4 of 1,596,654 alleles (0.00025%); highest among the groups gnomAD compares: South Asian, 0.0033%; no homozygotes.

Submission:

ClinGen PAH Variant Curation Expert Panel
Classification: Uncertain significance for Phenylketonuria. Last evaluated: 2020-08-13. Review status: reviewed by expert panel. Criteria: ClinGen PAH ACMG Specifications v1. Collection method: curation. Allele origin: germline. Inheritance: Autosomal recessive inheritance.
Comment: computational evidence is conflicting: CADD 0.83088; HSF No significant splicing motif alteration detected; Splice AI Benign; TraP Score probably damaging. In summary, this variant meets criteria to be classified as uncertain significance for PAH. PAH-specific ACMG/AMP criteria applied: PP4_Moderate, PM2.

Literature cited by the submitters: PubMed 21147011.